The following is an entry in ClinVar:

NM_145239.3(PRRT2):c.976_978del (p.Leu326del)

Genes: MVP-DT (MVP divergent transcript; minus strand), PRRT2 (proline rich transmembrane protein 2; plus strand). Cytogenetic location: 16p11.2.
Variant type: Deletion.
Coding change: c.976_978del on transcript NM_145239.3 (MANE Select); coding-DNA positions 976 to 978, 3 bases deleted (CTC; older notation c.976_978delCTC).
Protein change: p.Leu326del; deletes leucine 326.
Molecular consequence: inframe deletion. On other transcripts: 3 prime UTR variant (1).
Genome position (GRCh38, 1-based): chr16:29,814,429-29,814,431, CTC deleted; deleting any 3 consecutive bases within chr16:29,814,427-29,814,431 gives the same sequence; the c. name uses the placement nearest the transcript's 3' end. VCF-style (leftmost placement, unchanged base first): chr16-29814426-GTCC-G. GRCh37 (hg19) VCF-style: chr16-29825747-GTCC-G.
Other names: c.976_978del, p.Leu326del (NM_001256442.2); c.*475_*477del (NM_001256443.2); short protein forms L326del.
Identifiers: ClinVar variation 2765295 (VCV002765295.3), dbSNP rs775617472, ClinGen allele CA7994633.

ClinVar aggregate classification (germline): Uncertain significance (1 of 4 stars; one submission).

Conditions:
Episodic kinesigenic dyskinesia (EKD). Also called: Paroxysmal kinesigenic dyskinesia. Identifiers: Orphanet 98809, MedGen C1868682, MONDO:0044202.

Submission:

Labcorp Genetics (formerly Invitae), Labcorp
Classification: Uncertain significance for Episodic kinesigenic dyskinesia. Last evaluated: 2023-03-16. Review status: criteria provided, single submitter. Criteria: Invitae Variant Classification Sherloc (09022015). Collection method: clinical testing. Allele origin: germline.
Comment: This variant, c.976_978del, results in the deletion of 1 amino acid(s) of the PRRT2 protein (p.Leu326del), but otherwise preserves the integrity of the reading frame. In summary, the available evidence is currently insufficient to determine the role of this variant in disease. Therefore, it has been classified as a Variant of Uncertain Significance. Experimental studies and prediction algorithms are not available or were not evaluated, and the functional significance of this variant is currently unknown. This variant has been observed in individual(s) with paroxysmal kinesigenic dyskinesia (PMID: 34825340). This variant is present in population databases (rs775617472, gnomAD 0.003%).

Literature cited by the submitters: PubMed 34825340.